The following is an entry in ClinVar:

NM_004380.3(CREBBP):c.3165G>T (p.Val1055=)

Gene: CREBBP (CREB binding lysine acetyltransferase; minus strand). Cytogenetic location: 16p13.3.
Variant type: single nucleotide variant.
Coding change: c.3165G>T on transcript NM_004380.3 (MANE Select); coding-DNA position 3165, G replaced by T.
Protein change: p.Val1055=; no amino-acid change (valine 1055 retained).
Molecular consequence: synonymous variant.
Genome position (GRCh38, 1-based): chr16:3,767,805, C>A on the plus strand (G>T on the coding strand, the complement: CREBBP is on the minus strand). VCF-style: chr16-3767805-C-A. GRCh37 (hg19) VCF-style: chr16-3817806-C-A.
Other names: c.3051G>T, p.Val1017= (NM_001079846.1).
Identifiers: ClinVar variation 3346710 (VCV003346710.1).

ClinVar aggregate classification (germline): Likely benign (0 of 4 stars; one submission).

Conditions:
CREBBP-related disorder. Also called: CREBBP-related condition; CREBBP-related disorders.

gnomAD v4.1: 1 of 1,614,190 alleles (0.000062%); highest among the groups gnomAD compares: African/African-American, 0.0013%; no homozygotes.

Submission:

PreventionGenetics, part of Exact Sciences
Classification: Likely benign for CREBBP-related condition. Last evaluated: 2024-08-06. Review status: no assertion criteria provided. Collection method: clinical testing. Allele origin: germline.
Comment: This variant is classified as likely benign based on ACMG/AMP sequence variant interpretation guidelines (Richards et al. 2015 PMID: 25741868, with internal and published modifications).